The following is an entry in ClinVar:

NM_004360.5(CDH1):c.2111G>T (p.Gly704Val)

Gene: CDH1 (cadherin 1; plus strand). Cytogenetic location: 16q22.1.
Variant type: single nucleotide variant.
Coding change: c.2111G>T on transcript NM_004360.5 (MANE Select); coding-DNA position 2111, G replaced by T.
Protein change: p.Gly704Val; replaces glycine 704 with valine.
Molecular consequence: missense variant.
Genome position (GRCh38, 1-based): chr16:68,823,573, G>T. VCF-style: chr16-68823573-G-T. GRCh37 (hg19) VCF-style: chr16-68857476-G-T.
Other names: c.1928G>T, p.Gly643Val (NM_001317184.2); c.563G>T, p.Gly188Val (NM_001317185.2); c.146G>T, p.Gly49Val (NM_001317186.2); short protein forms G188V, G49V, G643V, G704V.
Identifiers: ClinVar variation 1487044 (VCV001487044.8), dbSNP rs2152139577, ClinGen allele CA396467872.

ClinVar aggregate classification (germline): Uncertain significance (1 of 4 stars; one submission).

Conditions:
Hereditary diffuse gastric adenocarcinoma (HDGC). Also called: DIFFUSE GASTRIC AND LOBULAR BREAST CANCER SYNDROME. Identifiers: Orphanet 26106, MedGen C1708349, MONDO:0007648, OMIM 137215.

Submission:

Labcorp Genetics (formerly Invitae), Labcorp
Classification: Uncertain significance for Hereditary diffuse gastric adenocarcinoma. Last evaluated: 2025-11-10. Review status: criteria provided, single submitter. Criteria: Invitae Variant Classification Sherloc (09022015). Collection method: clinical testing. Allele origin: germline.
Comment: This sequence change replaces glycine, which is neutral and non-polar, with valine, which is neutral and non-polar, at codon 704 of the CDH1 protein (p.Gly704Val). This variant is not present in population databases (gnomAD no frequency). This variant has not been reported in the literature in individuals affected with CDH1-related conditions. ClinVar contains an entry for this variant (Variation ID: 1487044). An algorithm developed to predict the effect of missense changes on protein structure and function (PolyPhen-2) suggests that this variant is likely to be tolerated. In summary, the available evidence is currently insufficient to determine the role of this variant in disease. Therefore, it has been classified as a Variant of Uncertain Significance.